The following is an entry in ClinVar:

NM_198576.4(AGRN):c.2277G>A (p.Pro759=)

Gene: AGRN (agrin; plus strand). Cytogenetic location: 1p36.33.
Variant type: single nucleotide variant.
Coding change: c.2277G>A on transcript NM_198576.4 (MANE Select); coding-DNA position 2277, G replaced by A.
Protein change: p.Pro759=; no amino-acid change (proline 759 retained).
Molecular consequence: synonymous variant.
Genome position (GRCh38, 1-based): chr1:1,045,183, G>A. VCF-style: chr1-1045183-G-A. GRCh37 (hg19) VCF-style: chr1-980563-G-A.
Other names: c.2277G>A, p.Pro759= (NM_001305275.2); c.1962G>A, p.Pro654= (NM_001364727.2).
Identifiers: ClinVar variation 541210 (VCV000541210.32), dbSNP rs199985558, ClinGen allele CA508570.

ClinVar aggregate classification (germline): Benign/Likely benign. Review status: criteria provided, multiple submitters, no conflicts (2 of 4 stars). 5 submissions from 5 submitters: Benign (1); Likely benign (4). Last evaluated 2026-01-15.

Conditions:
Congenital myasthenic syndrome 8. Also called: MYASTHENIC SYNDROME, CONGENITAL, DUE TO AGRIN DEFICIENCY; Myasthenic syndrome, congenital, 8, with pre- and postsynaptic defects. Identifiers: Orphanet 590, MedGen C3808739, MONDO:0014052, OMIM 615120.

Allele frequency attached by ClinVar (database versions not stated): gnomAD 0.00032; TOPMed 0.00043; ExAC 0.00045; ESP Exome Variant Server 0.00054; gnomAD exomes 0.00059.
gnomAD v4.1: 513 of 1,612,402 alleles (0.032%); highest among the groups gnomAD compares: Middle Eastern, 0.12%; 1 homozygote.

Submissions (5):

Labcorp Genetics (formerly Invitae), Labcorp
Classification: Likely benign for Congenital myasthenic syndrome 8. Last evaluated: 2026-01-15. Review status: criteria provided, single submitter. Criteria: Invitae Variant Classification Sherloc (09022015). Collection method: clinical testing. Allele origin: germline.

Blueprint Genetics
Classification: Likely benign. Last evaluated: 2024-10-23. Review status: criteria provided, single submitter. Criteria: ACMG Guidelines, 2015. Collection method: clinical testing. Allele origin: germline.

CeGaT Center for Human Genetics Tuebingen
Classification: Likely benign. Last evaluated: 2024-08-01. Review status: criteria provided, single submitter. Criteria: CeGaT Center For Human Genetics Tuebingen Variant Classification Criteria Version 2. Collection method: clinical testing. Allele origin: germline. Affected: yes. Observed: 2 variant alleles.
Comment: AGRN: BP4, BP7

Athena Diagnostics
Classification: Benign. Last evaluated: 2019-12-18. Review status: criteria provided, single submitter. Criteria: Athena Diagnostics Criteria. Collection method: clinical testing. Allele origin: unknown.

Breakthrough Genomics
Classification: Likely benign. Review status: criteria provided, single submitter. Criteria: ACMG Guidelines, 2015. Collection method: not provided. Allele origin: germline. Inheritance: Autosomal recessive inheritance. Affected: yes.